The following is an entry in ClinVar:

ClinVar aggregate classification (germline): Uncertain significance (1 of 4 stars; one submission).

Submission:

Labcorp Genetics (formerly Invitae), Labcorp
Classification: Uncertain significance. Last evaluated: 2022-10-13. Review status: criteria provided, single submitter. Criteria: Invitae Variant Classification Sherloc (09022015). Collection method: clinical testing. Allele origin: germline.
Comment: In summary, the available evidence is currently insufficient to determine the role of this variant in disease. Therefore, it has been classified as a Variant of Uncertain Significance. Algorithms developed to predict the effect of missense changes on protein structure and function (SIFT, PolyPhen-2, Align-GVGD) all suggest that this variant is likely to be disruptive. ClinVar contains an entry for this variant (Variation ID: 1057774). This variant has not been reported in the literature in individuals affected with RAX2-related conditions. This variant is not present in population databases (gnomAD no frequency). This sequence change replaces proline, which is neutral and non-polar, with serine, which is neutral and polar, at codon 120 of the RAX2 protein (p.Pro120Ser).

NM_001319074.4(RAX2):c.358C>T (p.Pro120Ser)

Gene: RAX2 (retina and anterior neural fold homeobox 2; minus strand). Cytogenetic location: 19p13.3.
Variant type: single nucleotide variant.
Coding change: c.358C>T on transcript NM_001319074.4 (MANE Select); coding-DNA position 358, C replaced by T.
Protein change: p.Pro120Ser; replaces proline 120 with serine.
Molecular consequence: missense variant.
Genome position (GRCh38, 1-based): chr19:3,770,818, G>A on the plus strand (C>T on the coding strand, the complement: RAX2 is on the minus strand). VCF-style: chr19-3770818-G-A. GRCh37 (hg19) VCF-style: chr19-3770816-G-A.
Other names: c.358C>T, p.Pro120Ser (NM_032753.4); short protein forms P120S.
Identifiers: ClinVar variation 1057774 (VCV001057774.7), dbSNP rs1045743925, ClinGen allele CA403374676.